The following is an entry in ClinVar:

ClinVar aggregate classification (germline): Uncertain significance (1 of 4 stars; one submission).

Submission:

Ambry Genetics
Classification: Uncertain significance. Last evaluated: 2023-03-29. Review status: criteria provided, single submitter. Criteria: Ambry Variant Classification Scheme 2023. Collection method: clinical testing. Allele origin: germline.
Comment: The p.G221R variant (also known as c.661G>C), located in coding exon 4 of the IDH1 gene, results from a G to C substitution at nucleotide position 661. The glycine at codon 221 is replaced by arginine, an amino acid with dissimilar properties. This amino acid position is conserved. In addition, this alteration is predicted to be deleterious by in silico analysis. Since supporting evidence is limited at this time, the clinical significance of this alteration remains unclear.

NM_005896.4(IDH1):c.661G>C (p.Gly221Arg)

Gene: IDH1 (isocitrate dehydrogenase (NADP(+)) 1; minus strand). Cytogenetic location: 2q34.
Variant type: single nucleotide variant.
Coding change: c.661G>C on transcript NM_005896.4 (MANE Select); coding-DNA position 661, G replaced by C.
Protein change: p.Gly221Arg; replaces glycine 221 with arginine.
Molecular consequence: missense variant.
Genome position (GRCh38, 1-based): chr2:208,243,464, C>G on the plus strand (G>C on the coding strand, the complement: IDH1 is on the minus strand). VCF-style: chr2-208243464-C-G. GRCh37 (hg19) VCF-style: chr2-209108188-C-G.
Other names: c.661G>C, p.Gly221Arg (NM_001282386.1, NM_001282387.1); short protein forms G221R.
Identifiers: ClinVar variation 2567500 (VCV002567500.2), dbSNP rs2469021912, ClinGen allele CA350098863.